The following is an entry in ClinVar:

ClinVar aggregate classification (germline): Uncertain significance (1 of 4 stars; one submission).

Allele frequency attached by ClinVar (database versions not stated): ExAC 0.00003; gnomAD exomes 0.00004; TOPMed 0.00004; gnomAD 0.00005.
gnomAD v4.1: 68 of 1,613,816 alleles (0.0042%); highest among the groups gnomAD compares: South Asian, 0.0055%; 1 homozygote.

Submission:

Labcorp Genetics (formerly Invitae), Labcorp
Classification: Uncertain significance. Last evaluated: 2023-10-03. Review status: criteria provided, single submitter. Criteria: Invitae Variant Classification Sherloc (09022015). Collection method: clinical testing. Allele origin: germline.
Comment: This sequence change replaces glutamic acid, which is acidic and polar, with glutamine, which is neutral and polar, at codon 587 of the FMN1 protein (p.Glu587Gln). This variant is present in population databases (rs201857969, gnomAD 0.005%). This variant has not been reported in the literature in individuals affected with FMN1-related conditions. Algorithms developed to predict the effect of missense changes on protein structure and function output the following: SIFT: "Not Available"; PolyPhen-2: "Not Available"; Align-GVGD: "Not Available". The glutamine amino acid residue is found in multiple mammalian species, which suggests that this missense change does not adversely affect protein function. In summary, the available evidence is currently insufficient to determine the role of this variant in disease. Therefore, it has been classified as a Variant of Uncertain Significance.

NM_001277313.2(FMN1):c.2428G>C (p.Glu810Gln)

Gene: FMN1 (formin 1; minus strand). Cytogenetic location: 15q13.3.
Variant type: single nucleotide variant.
Coding change: c.2428G>C on transcript NM_001277313.2 (MANE Select); coding-DNA position 2428, G replaced by C.
Protein change: p.Glu810Gln; replaces glutamic acid 810 with glutamine.
Molecular consequence: missense variant.
Genome position (GRCh38, 1-based): chr15:32,969,273, C>G on the plus strand (G>C on the coding strand, the complement: FMN1 is on the minus strand). VCF-style: chr15-32969273-C-G. GRCh37 (hg19) VCF-style: chr15-33261474-C-G.
Other names: c.1759G>C, p.Glu587Gln (NM_001103184.4); short protein forms E587Q, E810Q.
Identifiers: ClinVar variation 3016760 (VCV003016760.3), dbSNP rs201857969, ClinGen allele CA7456951.